The following is an entry in ClinVar:

ClinVar aggregate classification (germline): Conflicting classifications of pathogenicity. Review status: criteria provided, conflicting classifications (1 of 4 stars). 5 submissions from 5 submitters: Uncertain significance (4); Likely benign (1). Last evaluated 2022-12-28.

Conditions:
Inborn genetic diseases. Identifiers: MedGen C0950123, MeSH D030342.
RIDDLE syndrome. Identifiers: Orphanet 420741, MedGen C2677792, MONDO:0012764, OMIM 611943.

Allele frequency attached by ClinVar (database versions not stated): gnomAD exomes 0.00002 and 0.00003; ExAC 0.00007; TOPMed 0.00022; gnomAD 0.00026 and 0.00028; ESP Exome Variant Server 0.00038; 1000 Genomes Project 0.00040; 1000 Genomes Project 30x 0.00047.
gnomAD v4.1: 68 of 1,610,322 alleles (0.0042%); highest among the groups gnomAD compares: African/African-American, 0.085%; no homozygotes.

Submissions (5):

Baylor Genetics
Classification: Uncertain significance for RIDDLE syndrome. Last evaluated: 2022-12-28. Review status: criteria provided, single submitter. Criteria: ACMG Guidelines, 2015. Collection method: clinical testing. Allele origin: unknown.

Ambry Genetics
Classification: Uncertain significance for Inborn genetic diseases. Last evaluated: 2022-11-15. Review status: criteria provided, single submitter. Criteria: Ambry Variant Classification Scheme 2023. Collection method: clinical testing. Allele origin: germline.

Blueprint Genetics
Classification: Likely benign. Last evaluated: 2022-07-08. Review status: criteria provided, single submitter. Criteria: ACMG Guidelines, 2015. Collection method: clinical testing. Allele origin: germline.

Labcorp Genetics (formerly Invitae), Labcorp
Classification: Uncertain significance. Last evaluated: 2021-08-31. Review status: criteria provided, single submitter. Criteria: Invitae Variant Classification Sherloc (09022015). Collection method: clinical testing. Allele origin: germline.
Comment: This sequence change replaces leucine with serine at codon 199 of the RNF168 protein (p.Leu199Ser). The leucine residue is weakly conserved and there is a large physicochemical difference between leucine and serine. This variant is present in population databases (rs147030576, ExAC 0.08%). This variant has not been reported in the literature in individuals affected with RNF168-related conditions. Algorithms developed to predict the effect of missense changes on protein structure and function output the following: SIFT: "Tolerated"; PolyPhen-2: "Benign"; Align-GVGD: "Class C0". The serine amino acid residue is found in multiple mammalian species, which suggests that this missense change does not adversely affect protein function. In summary, the available evidence is currently insufficient to determine the role of this variant in disease. Therefore, it has been classified as a Variant of Uncertain Significance.

Breakthrough Genomics
Classification: Uncertain significance. Review status: criteria provided, single submitter. Criteria: ACMG Guidelines, 2015. Collection method: not provided. Allele origin: germline. Inheritance: Autosomal recessive inheritance. Affected: yes.

NM_152617.4(RNF168):c.596T>C (p.Leu199Ser)

Gene: RNF168 (ring finger protein 168; minus strand). Cytogenetic location: 3q29.
Variant type: single nucleotide variant.
Coding change: c.596T>C on transcript NM_152617.4 (MANE Select); coding-DNA position 596, T replaced by C.
Protein change: p.Leu199Ser; replaces leucine 199 with serine.
Molecular consequence: missense variant.
Genome position (GRCh38, 1-based): chr3:196,483,854, A>G on the plus strand (T>C on the coding strand, the complement: RNF168 is on the minus strand). VCF-style: chr3-196483854-A-G. GRCh37 (hg19) VCF-style: chr3-196210725-A-G.
Other names: c.596T>C (NM_152617.3); short protein forms L199S.
Identifiers: ClinVar variation 1418311 (VCV001418311.8), dbSNP rs147030576, ClinGen allele CA2780876.